The following is an entry in ClinVar:

ClinVar aggregate classification (germline): Likely pathogenic. Review status: criteria provided, multiple submitters, no conflicts (2 of 4 stars). 2 submissions from 2 submitters: Likely pathogenic (2). Last evaluated 2024-05-17.

Conditions:
Imerslund-Grasbeck syndrome. Also called: ENTEROCYTE COBALAMIN MALABSORPTION; ENTEROCYTE INTRINSIC FACTOR RECEPTOR, DEFECT OF; PERNICIOUS ANEMIA, JUVENILE, DUE TO SELECTIVE INTESTINAL MALABSORPTION OF VITAMIN B12, WITH PROTEINURIA; Imerslund-Gräsbeck syndrome; Megaloblastic anemia due to inborn errors of metabolism. Identifiers: Orphanet 35858, MedGen C4551825, MONDO:0009853.
Imerslund-Grasbeck syndrome type 2. Also called: Megaloblastic anemia 1, Norwegian type; MEGALOBLASTIC ANEMIA, NORWEGIAN TYPE; Imerslund-Gräsbeck syndrome 2. Identifiers: MedGen C4016948, MONDO:0100157, OMIM 618882.

Submissions (2):

Fulgent Genetics
Classification: Likely pathogenic for Imerslund-Grasbeck syndrome type 2. Last evaluated: 2024-05-17. Review status: criteria provided, single submitter. Criteria: ACMG Guidelines, 2015. Collection method: clinical testing. Allele origin: germline.

Labcorp Genetics (formerly Invitae), Labcorp
Classification: Likely pathogenic for Imerslund-Grasbeck syndrome. Last evaluated: 2023-09-03. Review status: criteria provided, single submitter. Criteria: Invitae Variant Classification Sherloc (09022015). Collection method: clinical testing. Allele origin: germline.
Comment: This sequence change affects an acceptor splice site in intron 4 of the AMN gene. It is expected to disrupt RNA splicing. Variants that disrupt the donor or acceptor splice site typically lead to a loss of protein function (PMID: 16199547), and loss-of-function variants in AMN are known to be pathogenic (PMID: 12590260, 22929189). This variant is not present in population databases (gnomAD no frequency). This variant has not been reported in the literature in individuals affected with AMN-related conditions. Algorithms developed to predict the effect of sequence changes on RNA splicing suggest that this variant may disrupt the consensus splice site. In summary, the currently available evidence indicates that the variant is pathogenic, but additional data are needed to prove that conclusively. Therefore, this variant has been classified as Likely Pathogenic.

Literature cited by the submitters: PubMed 16199547 (cited by Labcorp Genetics (formerly Invitae), Labcorp); PubMed 12590260 (cited by Labcorp Genetics (formerly Invitae), Labcorp); PubMed 22929189 (cited by Labcorp Genetics (formerly Invitae), Labcorp).

NM_030943.4(AMN):c.296-1G>A

Gene: AMN (amnion associated transmembrane protein; plus strand). Cytogenetic location: 14q32.32.
Variant type: single nucleotide variant.
Coding change: c.296-1G>A on transcript NM_030943.4 (MANE Select); the canonical splice acceptor site of the intron before coding-DNA position 296, G replaced by A.
Molecular consequence: splice acceptor variant.
Genome position (GRCh38, 1-based): chr14:102,928,757, G>A. VCF-style: chr14-102928757-G-A. GRCh37 (hg19) VCF-style: chr14-103395094-G-A.
Identifiers: ClinVar variation 2757462 (VCV002757462.4), dbSNP rs2542694975, ClinGen allele CA391080318.